The following is an entry in ClinVar:

ClinVar aggregate classification (germline): Uncertain significance. Review status: criteria provided, multiple submitters, no conflicts (2 of 4 stars). 3 submissions from 3 submitters: Uncertain significance (3). Last evaluated 2025-02-28.

Conditions:
Inborn genetic diseases. Identifiers: MedGen C0950123, MeSH D030342.

Allele frequency attached by ClinVar (database versions not stated): gnomAD exomes below 0.00001; TOPMed below 0.00001; gnomAD 0.00001.

Submissions (3):

Labcorp Genetics (formerly Invitae), Labcorp
Classification: Uncertain significance. Last evaluated: 2025-02-28. Review status: criteria provided, single submitter. Criteria: Invitae Variant Classification Sherloc (09022015). Collection method: clinical testing. Allele origin: germline.
Comment: This sequence change replaces methionine, which is neutral and non-polar, with threonine, which is neutral and polar, at codon 1471 of the SAMD9 protein (p.Met1471Thr). This variant is present in population databases (no rsID available, gnomAD no frequency). This variant has not been reported in the literature in individuals affected with SAMD9-related conditions. ClinVar contains an entry for this variant (Variation ID: 2989603). Invitae Evidence Modeling of protein sequence and biophysical properties (such as structural, functional, and spatial information, amino acid conservation, physicochemical variation, residue mobility, and thermodynamic stability) indicates that this missense variant is not expected to disrupt SAMD9 protein function with a negative predictive value of 95%. In summary, the available evidence is currently insufficient to determine the role of this variant in disease. Therefore, it has been classified as a Variant of Uncertain Significance.

Ambry Genetics
Classification: Uncertain significance for Inborn genetic diseases. Last evaluated: 2024-11-25. Review status: criteria provided, single submitter. Criteria: Ambry Variant Classification Scheme 2023. Collection method: clinical testing. Allele origin: germline.
Comment: The p.M1471T variant (also known as c.4412T>C), located in coding exon 1 of the SAMD9 gene, results from a T to C substitution at nucleotide position 4412. The methionine at codon 1471 is replaced by threonine, an amino acid with similar properties. This amino acid position is conserved. In addition, this alteration is predicted to be tolerated by in silico analysis. Based on the available evidence, the clinical significance of this variant remains unclear.

Blueprint Genetics
Classification: Uncertain significance. Last evaluated: 2023-12-22. Review status: criteria provided, single submitter. Criteria: ACMG Guidelines, 2015. Collection method: clinical testing. Allele origin: germline.

NM_017654.4(SAMD9):c.4412T>C (p.Met1471Thr)

Gene: SAMD9 (sterile alpha motif domain containing 9; minus strand). Cytogenetic location: 7q21.2.
Variant type: single nucleotide variant.
Coding change: c.4412T>C on transcript NM_017654.4 (MANE Select); coding-DNA position 4412, T replaced by C.
Protein change: p.Met1471Thr; replaces methionine 1471 with threonine.
Molecular consequence: missense variant.
Genome position (GRCh38, 1-based): chr7:93,101,686, A>G on the plus strand (T>C on the coding strand, the complement: SAMD9 is on the minus strand). VCF-style: chr7-93101686-A-G. GRCh37 (hg19) VCF-style: chr7-92730999-A-G.
Other names: c.4412T>C (NM_017654.3); c.4412T>C, p.Met1471Thr (NM_001193307.2); short protein forms M1471T.
Identifiers: ClinVar variation 2989603 (VCV002989603.5), dbSNP rs866466388, ClinGen allele CA161989380.
Genomic context (GRCh38, chr7:93,101,686, plus strand): 5'-CTTTCCAGTCTTTTACCTTTTCCAAGAAAGAAATATGCAATTGGTTGCTTTGTACGATGC[A>G]TATGTTTATATTGCCCCTTGAAAGAATTTTTTAGTGCTTGAGCATACTCTTTCATTTGTT-3'
Protein context (NP_060124.2, residues 1461-1481): KNSFKGQYKH[Met1471Thr]HRTKQPIAYF